The following is an entry in ClinVar:

ClinVar aggregate classification (germline): Likely pathogenic (1 of 4 stars; one submission).

Conditions:
Paediatric disorders.

Submission:

North West Genomic Laboratory Hub, Manchester University NHS Foundation Trust
Classification: Likely pathogenic for Paediatric disorders. Last evaluated: 2026-04-30. Review status: criteria provided, single submitter. Criteria: ACGS Best Practice Guidelines for Variant Classification in Rare Disease 2024. Collection method: clinical testing. Allele origin: germline. Affected: yes.
Comment: PS4_Mod PS2_Mod PP3_Supp PM2_Mod

NM_001164760.2(PRKAR1B):c.638C>T (p.Ala213Val)

Gene: PRKAR1B (protein kinase cAMP-dependent type I regulatory subunit beta; minus strand). Cytogenetic location: 7p22.3.
Variant type: single nucleotide variant.
Coding change: c.638C>T on transcript NM_001164760.2 (MANE Select); coding-DNA position 638, C replaced by T.
Protein change: p.Ala213Val; replaces alanine 213 with valine.
Molecular consequence: missense variant.
Genome position (GRCh38, 1-based): chr7:596,216, G>A on the plus strand (C>T on the coding strand, the complement: PRKAR1B is on the minus strand). VCF-style: chr7-596216-G-A. GRCh37 (hg19) VCF-style: chr7-635853-G-A.
Other names: c.638C>T, p.Ala213Val (NM_001164758.2, NM_001164759.1, NM_001164761.2 and 2 more transcripts); short protein forms A213V.
Identifiers: ClinVar variation 4891528 (VCV004891528.1).